The following is an entry in ClinVar:

ClinVar aggregate classification (germline): Uncertain significance (1 of 4 stars; one submission).

Conditions:
GP1BA-related disorder. Also called: GP1BA-related condition.

Submission:

PreventionGenetics, part of Exact Sciences
Classification: Uncertain significance for GP1BA-related condition. Last evaluated: 2025-05-19. Review status: criteria provided, single submitter. Criteria: ACMG Guidelines, 2015. Collection method: clinical testing. Allele origin: germline.
Comment: The GP1BA c.232C>A variant is predicted to result in the amino acid substitution p.Leu78Ile. To our knowledge, this variant has not been reported in the literature. This variant is reported in 0.0018% of alleles in individuals of European (Non-Finnish) descent in gnomAD. At this time, the clinical significance of this variant is uncertain due to the absence of conclusive functional and genetic evidence.

NM_000173.7(GP1BA):c.232C>A (p.Leu78Ile)

Gene: GP1BA (glycoprotein Ib platelet subunit alpha; plus strand). Cytogenetic location: 17p13.2.
Variant type: single nucleotide variant.
Coding change: c.232C>A on transcript NM_000173.7 (MANE Select); coding-DNA position 232, C replaced by A.
Protein change: p.Leu78Ile; replaces leucine 78 with isoleucine.
Molecular consequence: missense variant.
Genome position (GRCh38, 1-based): chr17:4,932,836, C>A. VCF-style: chr17-4932836-C-A. GRCh37 (hg19) VCF-style: chr17-4836131-C-A.
Other names: short protein forms L78I.
Identifiers: ClinVar variation 4977782 (VCV004977782.1).